The following is an entry in ClinVar:

NM_001395002.1(MAP4K4):c.2286C>A (p.Ser762Arg)

Gene: MAP4K4 (mitogen-activated protein kinase kinase kinase kinase 4; plus strand). Cytogenetic location: 2q11.2.
Variant type: single nucleotide variant.
Coding change: c.2286C>A on transcript NM_001395002.1 (MANE Select); coding-DNA position 2286, C replaced by A.
Protein change: p.Ser762Arg; replaces serine 762 with arginine.
Molecular consequence: missense variant. On other transcripts: non-coding transcript variant (4).
Genome position (GRCh38, 1-based): chr2:101,866,509, C>A. VCF-style: chr2-101866509-C-A. GRCh37 (hg19) VCF-style: chr2-102482971-C-A.
Other names: c.2052C>A, p.Ser684Arg (NM_001242559.2, NM_001384488.1); c.2031C>A, p.Ser677Arg (NM_001242560.2, NM_001384487.1); c.2121C>A, p.Ser707Arg (NM_001384476.1); c.2118C>A, p.Ser706Arg (NM_001384477.1, NM_001384508.1); c.1800C>A, p.Ser600Arg (NM_001384478.1, NM_001384482.1, NM_001384495.1); c.2055C>A, p.Ser685Arg (NM_001384481.1, NM_001384486.1, NM_001384507.1); c.1890C>A, p.Ser630Arg (NM_001384483.1, NM_001384494.1); c.2124C>A, p.Ser708Arg (NM_001384484.1, NM_001384485.1, NM_001384493.1); and 19 more; short protein forms S631R, S698R, S706R, S600R, S630R, S645R, S670R, S676R.
Identifiers: ClinVar variation 3781263 (VCV003781263.1).

ClinVar aggregate classification (germline): Uncertain significance (1 of 4 stars; one submission).

gnomAD v4.1: 1 of 1,613,800 alleles (0.000062%); highest among the groups gnomAD compares: Non-Finnish European, 0.000085%; no homozygotes.

Submission:

GeneDx
Classification: Uncertain significance. Last evaluated: 2024-10-20. Review status: criteria provided, single submitter. Criteria: GeneDx Variant Classification Process June 2021. Collection method: clinical testing. Allele origin: germline. Affected: yes.
Comment: Not observed at significant frequency in large population cohorts (gnomAD); In silico analysis supports that this missense variant has a deleterious effect on protein structure/function; Has not been previously published as pathogenic or benign to our knowledge